The following is an entry in ClinVar:

NM_001370259.2(MEN1):c.-13_-7dup

Gene: MEN1 (menin 1; minus strand). Cytogenetic location: 11q13.1.
Variant type: Duplication.
Coding change: c.-13_-7dup on transcript NM_001370259.2 (MANE Select); 13 bases upstream of the start codon through 7 bases upstream of the start codon, 7 bases duplicated (ACCGCCC; older notation c.-13_-7dupACCGCCC).
Molecular consequence: 5 prime UTR variant.
Genome position (GRCh38, 1-based): chr11:64,810,116-64,810,122, GGGCGGT duplicated on the plus strand (ACCGCCC on the coding strand, the reverse complement: MEN1 is on the minus strand); duplicating any 7 consecutive bases within chr11:64,810,116-64,810,128 gives the same sequence; the c. name uses the placement nearest the transcript's 3' end. VCF-style (leftmost placement, unchanged base first): chr11-64810115-C-CGGGCGGT. GRCh37 (hg19) VCF-style: chr11-64577587-C-CGGGCGGT.
Other names: c.-13_-7dup (NM_000244.4, NM_001370251.2, NM_001370260.2 and 10 more transcripts).
Identifiers: ClinVar variation 560774 (VCV000560774.4), dbSNP rs1217276136, ClinGen allele CA599804075.
Genomic context (GRCh38, chr11:64,810,115, plus strand): 5'-CGTCGTCGATGGAGCGCAGCGGGAACAGCGTCTTCTGGGCGGCCTTCAGCCCCATGGCGG[C>CGGGCGGT]GGGCGGTGGGCGGCGGCCTGCAAGGCAAGCCGGGGGAGGGAGGGTCGGGCAGGTTCGGCC-3'

ClinVar aggregate classification (germline): Conflicting classifications of pathogenicity. Review status: criteria provided, conflicting classifications (1 of 4 stars). 2 submissions from 2 submitters: Uncertain significance (1); Likely benign (1). Last evaluated 2025-09-08.

Conditions:
Multiple endocrine neoplasia, type 1 (MEN1). Also called: MEN I; WERMER SYNDROME; MEA I; Endocrine adenomatosis multiple; MEN 1. Identifiers: Orphanet 652, MedGen C0025267, MeSH D018761, MONDO:0007540, OMIM 131100.

Submissions (2):

Color Diagnostics, LLC DBA Color Health
Classification: Uncertain significance for Multiple endocrine neoplasia, type 1. Last evaluated: 2025-09-08. Review status: criteria provided, single submitter. Criteria: ACMG Guidelines, 2015. Collection method: clinical testing. Allele origin: germline.
Comment: This variant is located in the 5' untranslated region of the MEN1 gene. To our knowledge, functional studies have not been reported for this variant. This variant has not been reported in individuals affected with MEN1-related disorders in the literature. This variant has been identified in 1/136404 chromosomes in the general population by the Genome Aggregation Database (gnomAD). The available evidence is insufficient to determine the role of this variant in disease conclusively. Therefore, this variant is classified as a Variant of Uncertain Significance.

PreventionGenetics, part of Exact Sciences
Classification: Likely benign. Last evaluated: 2017-12-06. Review status: criteria provided, single submitter. Criteria: ACMG Guidelines, 2015. Collection method: clinical testing. Allele origin: germline.